The following is an entry in ClinVar:

NM_014000.3(VCL):c.166C>T (p.Arg56Trp)

Gene: VCL (vinculin; plus strand). Cytogenetic location: 10q22.2.
Variant type: single nucleotide variant.
Coding change: c.166C>T on transcript NM_014000.3 (MANE Select); coding-DNA position 166, C replaced by T.
Protein change: p.Arg56Trp; replaces arginine 56 with tryptophan.
Molecular consequence: missense variant.
Genome position (GRCh38, 1-based): chr10:73,998,373, C>T. VCF-style: chr10-73998373-C-T. GRCh37 (hg19) VCF-style: chr10-75758131-C-T.
Other names: c.166C>T, p.Arg56Trp (NM_003373.4); short protein forms R56W.
Identifiers: ClinVar variation 468810 (VCV000468810.1), dbSNP rs1555112641, ClinGen allele CA377255550.

ClinVar aggregate classification (germline): Uncertain significance (1 of 4 stars; one submission).

Conditions:
Dilated cardiomyopathy 1W (CMD1W). Identifiers: Orphanet 154, MedGen C1969639, MONDO:0012667, OMIM 611407.

Allele frequency attached by ClinVar (database versions not stated): gnomAD exomes 0.00001.
gnomAD v4.1: 7 of 1,529,870 alleles (0.00046%); highest among the groups gnomAD compares: Non-Finnish European, 0.00062%; no homozygotes.

Submission:

Labcorp Genetics (formerly Invitae), Labcorp
Classification: Uncertain significance for Dilated cardiomyopathy 1W. Last evaluated: 2017-03-08. Review status: criteria provided, single submitter. Criteria: Invitae Variant Classification Sherloc (09022015). Collection method: clinical testing. Allele origin: germline.
Comment: This sequence change replaces arginine with tryptophan at codon 56 of the VCL protein (p.Arg56Trp). The arginine residue is moderately conserved and there is a moderate physicochemical difference between arginine and tryptophan. While this variant is not present in population databases (no rsID), the frequency information is unreliable, as metrics indicate poor data quality at this position in the ExAC database. This variant has not been reported in the literature in individuals with a VCL-related disease. Algorithms developed to predict the effect of missense changes on protein structure and function do not agree on the potential impact of this missense change (SIFT: "Deleterious"; PolyPhen-2: "Possibly Damaging"; Align-GVGD: "Class C0"). In summary, this variant is a novel missense change with uncertain impact on protein function. It has been classified as a Variant of Uncertain Significance.